The following is an entry in ClinVar:

NM_006440.5(TXNRD2):c.143G>A (p.Gly48Glu)

Gene: TXNRD2 (thioredoxin reductase 2; minus strand). Cytogenetic location: 22q11.21.
Variant type: single nucleotide variant.
Coding change: c.143G>A on transcript NM_006440.5 (MANE Select); coding-DNA position 143, G replaced by A.
Protein change: p.Gly48Glu; replaces glycine 48 with glutamic acid.
Molecular consequence: missense variant. On other transcripts: 5 prime UTR variant (1), non-coding transcript variant (1).
Genome position (GRCh38, 1-based): chr22:19,931,059, C>T on the plus strand (G>A on the coding strand, the complement: TXNRD2 is on the minus strand). VCF-style: chr22-19931059-C-T. GRCh37 (hg19) VCF-style: chr22-19918582-C-T.
Other names: c.143G>A, p.Gly48Glu (NM_001282512.3); c.140G>A, p.Gly47Glu (NM_001352300.2); c.53G>A, p.Gly18Glu (NM_001352301.2); c.-146G>A (NM_001352302.2); c.47G>A, p.Gly16Glu (NM_001352303.2); short protein forms G16E, G18E, G48E, G47E.
Identifiers: ClinVar variation 4194435 (VCV004194435.1).

ClinVar aggregate classification (germline): Uncertain significance (1 of 4 stars; one submission).

Conditions:
Cardiovascular phenotype. Identifiers: MedGen CN230736.

Submission:

Ambry Genetics
Classification: Uncertain significance for Cardiovascular phenotype. Last evaluated: 2025-08-31. Review status: criteria provided, single submitter. Criteria: Ambry Variant Classification Scheme 2023. Collection method: clinical testing. Allele origin: germline.
Comment: The p.G48E variant (also known as c.143G>A), located in coding exon 2 of the TXNRD2 gene, results from a G to A substitution at nucleotide position 143. The glycine at codon 48 is replaced by glutamic acid, an amino acid with similar properties. This amino acid position is conserved. In addition, this alteration is predicted to be deleterious by in silico analysis. Based on the available evidence, the clinical significance of this variant remains unclear.